The following is an entry in ClinVar:

ClinVar aggregate classification (germline): Benign/Likely benign. Review status: criteria provided, multiple submitters, no conflicts (2 of 4 stars). 4 submissions from 4 submitters: Benign (1); Likely benign (3). Last evaluated 2026-03-06.

Conditions:
AMER1-related disorder. Also called: AMER1-related condition.
Inborn genetic diseases. Identifiers: MedGen C0950123, MeSH D030342.

Allele frequency attached by ClinVar (database versions not stated): ExAC 0.00004; gnomAD 0.00005; ESP Exome Variant Server 0.00010.
gnomAD v4.1: 31 of 1,210,333 alleles (0.0026%); highest among the groups gnomAD compares: Non-Finnish European, 0.0032%; no homozygotes.

Submissions (4):

PreventionGenetics, part of Exact Sciences
Classification: Likely benign for AMER1-related condition. Last evaluated: 2026-03-06. Review status: criteria provided, single submitter. Criteria: ACMG Guidelines, 2015. Collection method: clinical testing. Allele origin: germline.
Comment: This variant is classified as likely benign based on ACMG/AMP sequence variant interpretation guidelines (Richards et al. 2015 PMID: 25741868, with internal and published modifications).

Labcorp Genetics (formerly Invitae), Labcorp
Classification: Benign. Last evaluated: 2025-05-13. Review status: criteria provided, single submitter. Criteria: Invitae Variant Classification Sherloc (09022015). Collection method: clinical testing. Allele origin: germline.

Ambry Genetics
Classification: Likely benign for Inborn genetic diseases. Last evaluated: 2023-04-25. Review status: criteria provided, single submitter. Criteria: Ambry Variant Classification Scheme 2023. Collection method: clinical testing. Allele origin: germline.

CeGaT Center for Human Genetics Tuebingen
Classification: Likely benign. Last evaluated: 2023-02-01. Review status: criteria provided, single submitter. Criteria: CeGaT Center For Human Genetics Tuebingen Variant Classification Criteria Version 2. Collection method: clinical testing. Allele origin: germline. Affected: yes. Observed: 1 variant allele.
Comment: AMER1: BP4, BS2

NM_152424.4(AMER1):c.2825G>A (p.Arg942Gln)

Gene: AMER1 (APC membrane recruitment protein 1; minus strand). Cytogenetic location: Xq11.2.
Variant type: single nucleotide variant.
Coding change: c.2825G>A on transcript NM_152424.4 (MANE Select); coding-DNA position 2825, G replaced by A.
Protein change: p.Arg942Gln; replaces arginine 942 with glutamine.
Molecular consequence: missense variant.
Genome position (GRCh38, 1-based): chrX:64,190,462, C>T on the plus strand (G>A on the coding strand, the complement: AMER1 is on the minus strand). VCF-style: chrX-64190462-C-T. GRCh37 (hg19) VCF-style: chrX-63410342-C-T.
Other names: short protein forms R942Q.
Identifiers: ClinVar variation 2516054 (VCV002516054.30), dbSNP rs368031008, ClinGen allele CA10432151.